The following is an entry in ClinVar:

NM_000052.7(ATP7A):c.1707del (p.Val569_Val570insTer)

Gene: ATP7A (ATPase copper transporting alpha; plus strand). Cytogenetic location: Xq21.1.
Variant type: Deletion.
Coding change: c.1707del on transcript NM_000052.7 (MANE Select); coding-DNA position 1707, one base deleted (T; older notation c.1707delT).
Protein change: p.Val569_Val570insTer.
Molecular consequence: frameshift variant.
Genome position (GRCh38, 1-based): chrX:78,003,236, T deleted; the last of 2 consecutive T bases (chrX:78,003,235-78,003,236); deleting either gives the same sequence. VCF-style (leftmost placement, unchanged base first): chrX-78003234-GT-G. GRCh37 (hg19) VCF-style: chrX-77258731-GT-G.
Other names: c.1707del, p.Val569_Val570insTer (NM_001282224.2).
Identifiers: ClinVar variation 4874600 (VCV004874600.2).

ClinVar aggregate classification (germline): Pathogenic (1 of 4 stars; one submission).

Submission:

CeGaT Center for Human Genetics Tuebingen
Classification: Pathogenic. Last evaluated: 2026-04-01. Review status: criteria provided, single submitter. Criteria: CeGaT Center For Human Genetics Tuebingen Variant Classification Criteria Version 2. Collection method: clinical testing. Allele origin: germline. Affected: yes. Observed: 2 variant alleles.
Comment: ATP7A: PVS1, PM2